The following is an entry in ClinVar:

NM_000540.3(RYR1):c.14338A>C (p.Lys4780Gln)

Gene: RYR1 (ryanodine receptor 1; plus strand). Cytogenetic location: 19q13.2.
Variant type: single nucleotide variant.
Coding change: c.14338A>C on transcript NM_000540.3 (MANE Select); coding-DNA position 14338, A replaced by C.
Protein change: p.Lys4780Gln; replaces lysine 4780 with glutamine.
Molecular consequence: missense variant.
Genome position (GRCh38, 1-based): chr19:38,578,178, A>C. VCF-style: chr19-38578178-A-C. GRCh37 (hg19) VCF-style: chr19-39068818-A-C.
Other names: c.14323A>C, p.Lys4775Gln (NM_001042723.2); short protein forms K4775Q, K4780Q.
Identifiers: ClinVar variation 3385622 (VCV003385622.1).
Genomic context (GRCh38, chr19:38,578,178, plus strand): 5'-ATCTCTCCCCACCCCCGCCCCCACAGGCTCATGTCCATCGATGTCAAGTACCAGATCTGG[A>C]AGTTCGGGGTCATCTTCACAGACAACGTGAGCAGGGGCCCACAGACTGGGGAGGGACTCT-3'
Protein context (NP_000531.2, residues 4770-4790): MSIDVKYQIW[Lys4780Gln]FGVIFTDNSF

ClinVar aggregate classification (germline): Uncertain significance (1 of 4 stars; one submission).

Conditions:
Malignant hyperthermia, susceptibility to, 1 (MHS1). Also called: Anesthesia related hyperthermia; Malignant hyperpyrexia; Fulminating hyperpyrexia; Pharmacogenic myopathy; Malignant hyperthermia suceptibility 1; RYR1-Related Malignant Hyperthermia Susceptibility. Identifiers: Orphanet 423, MedGen C2930980, MONDO:0007783, OMIM 145600.

gnomAD v4.1: 1 of 1,613,508 alleles (0.000062%); highest among the groups gnomAD compares: Non-Finnish European, 0.000085%; no homozygotes.

Submission:

All of Us Research Program, National Institutes of Health
Classification: Uncertain significance for Malignant hyperthermia, susceptibility to, 1. Last evaluated: 2024-08-06. Review status: criteria provided, single submitter. Criteria: ACMG Guidelines, 2015. Collection method: clinical testing. Allele origin: germline. Inheritance: Autosomal dominant inheritance. Observed: 1 variant allele, 1 heterozygote.
Comment: This study involves interpretation of variants in research participants for the purpose of population health screening. Participant phenotype was not available at the time of variant classification. Additional details can be found in publication PMID: 35346344, PMCID: PMC8962531